The following is an entry in ClinVar:

NM_003906.5(MCM3AP):c.782A>C (p.Glu261Ala)

Gene: MCM3AP (minichromosome maintenance complex component 3 associated protein; minus strand). Cytogenetic location: 21q22.3.
Variant type: single nucleotide variant.
Coding change: c.782A>C on transcript NM_003906.5 (MANE Select); coding-DNA position 782, A replaced by C.
Protein change: p.Glu261Ala; replaces glutamic acid 261 with alanine.
Molecular consequence: missense variant.
Genome position (GRCh38, 1-based): chr21:46,284,505, T>G on the plus strand (A>C on the coding strand, the complement: MCM3AP is on the minus strand). VCF-style: chr21-46284505-T-G. GRCh37 (hg19) VCF-style: chr21-47704419-T-G.
Other names: short protein forms E261A.
Identifiers: ClinVar variation 2113390 (VCV002113390.4), dbSNP rs2517437879, ClinGen allele CA410534419.

ClinVar aggregate classification (germline): Uncertain significance (1 of 4 stars; one submission).

Submission:

Labcorp Genetics (formerly Invitae), Labcorp
Classification: Uncertain significance. Last evaluated: 2022-03-18. Review status: criteria provided, single submitter. Criteria: Invitae Variant Classification Sherloc (09022015). Collection method: clinical testing. Allele origin: germline.
Comment: This variant has not been reported in the literature in individuals affected with MCM3AP-related conditions. This sequence change replaces glutamic acid, which is acidic and polar, with alanine, which is neutral and non-polar, at codon 261 of the MCM3AP protein (p.Glu261Ala). This variant is not present in population databases (gnomAD no frequency). Algorithms developed to predict the effect of missense changes on protein structure and function are either unavailable or do not agree on the potential impact of this missense change (SIFT: "Tolerated"; PolyPhen-2: "Possibly Damaging"; Align-GVGD: "Class C0"). In summary, the available evidence is currently insufficient to determine the role of this variant in disease. Therefore, it has been classified as a Variant of Uncertain Significance.